The following is an entry in ClinVar:

NM_033118.4(MYLK2):c.620T>G (p.Val207Gly)

Gene: MYLK2 (myosin light chain kinase 2; plus strand). Cytogenetic location: 20q11.21.
Variant type: single nucleotide variant.
Coding change: c.620T>G on transcript NM_033118.4 (MANE Select); coding-DNA position 620, T replaced by G.
Protein change: p.Val207Gly; replaces valine 207 with glycine.
Molecular consequence: missense variant.
Genome position (GRCh38, 1-based): chr20:31,821,585, T>G. VCF-style: chr20-31821585-T-G. GRCh37 (hg19) VCF-style: chr20-30409388-T-G.
Other names: short protein forms V207G.
Identifiers: ClinVar variation 1964037 (VCV001964037.5), dbSNP rs2515452458, ClinGen allele CA408526005.

ClinVar aggregate classification (germline): Uncertain significance (1 of 4 stars; one submission).

Conditions:
Hypertrophic cardiomyopathy 1 (CMH1). Also called: Familial hypertrophic cardiomyopathy 1; MYH7-Related Familial Hypertrophic Cardiomyopathy. Identifiers: MedGen C3495498, MONDO:0008647, OMIM 192600.

Allele frequency attached by ClinVar (database versions not stated): gnomAD exomes below 0.00001.

Submission:

Labcorp Genetics (formerly Invitae), Labcorp
Classification: Uncertain significance for Hypertrophic cardiomyopathy 1. Last evaluated: 2022-05-31. Review status: criteria provided, single submitter. Criteria: Invitae Variant Classification Sherloc (09022015). Collection method: clinical testing. Allele origin: germline.
Comment: This sequence change replaces valine, which is neutral and non-polar, with glycine, which is neutral and non-polar, at codon 207 of the MYLK2 protein (p.Val207Gly). This variant is not present in population databases (gnomAD no frequency). This variant has not been reported in the literature in individuals affected with MYLK2-related conditions. Algorithms developed to predict the effect of missense changes on protein structure and function (SIFT, PolyPhen-2, Align-GVGD) all suggest that this variant is likely to be tolerated. In summary, the available evidence is currently insufficient to determine the role of this variant in disease. Therefore, it has been classified as a Variant of Uncertain Significance.